The following is an entry in ClinVar:

ClinVar aggregate classification (germline): Likely benign (1 of 4 stars; one submission).

gnomAD v4.1: 7 of 1,613,304 alleles (0.00043%); highest among the groups gnomAD compares: Non-Finnish European, 0.00059%; no homozygotes.

Submission:

CeGaT Center for Human Genetics Tuebingen
Classification: Likely benign. Last evaluated: 2024-12-01. Review status: criteria provided, single submitter. Criteria: CeGaT Center For Human Genetics Tuebingen Variant Classification Criteria Version 2. Collection method: clinical testing. Allele origin: germline. Affected: yes. Observed: 1 variant allele.
Comment: SON: BP4, BP7

NM_138927.4(SON):c.1218T>C (p.Pro406=)

Gene: SON (SON DNA and RNA binding protein; plus strand). Cytogenetic location: 21q22.11.
Variant type: single nucleotide variant.
Coding change: c.1218T>C on transcript NM_138927.4 (MANE Select); coding-DNA position 1218, T replaced by C.
Protein change: p.Pro406=; no amino-acid change (proline 406 retained).
Molecular consequence: synonymous variant. On other transcripts: non-coding transcript variant (1), intron variant (1).
Genome position (GRCh38, 1-based): chr21:33,550,449, T>C. VCF-style: chr21-33550449-T-C. GRCh37 (hg19) VCF-style: chr21-34922755-T-C.
Other names: c.1218T>C, p.Pro406= (NM_001291411.2, NM_032195.3); c.244+4070T>C (NM_001291412.3).
Identifiers: ClinVar variation 3772159 (VCV003772159.13).